The following is an entry in ClinVar:

ClinVar aggregate classification (germline): Uncertain significance (1 of 4 stars; one submission).

Conditions:
Hypertrophic cardiomyopathy. Also called: HYPERTROPHIC MYOCARDIOPATHY. Identifiers: Orphanet 217569, MedGen C0007194, MeSH D002312, MONDO:0005045, HP:0001639.

Submission:

Labcorp Genetics (formerly Invitae), Labcorp
Classification: Uncertain significance for Hypertrophic cardiomyopathy. Last evaluated: 2021-05-13. Review status: criteria provided, single submitter. Criteria: Invitae Variant Classification Sherloc (09022015). Collection method: clinical testing. Allele origin: germline.
Comment: This sequence change replaces serine with arginine at codon 362 of the MYBPC3 protein (p.Ser362Arg). The serine residue is highly conserved and there is a moderate physicochemical difference between serine and arginine. In summary, the available evidence is currently insufficient to determine the role of this variant in disease. Therefore, it has been classified as a Variant of Uncertain Significance. Algorithms developed to predict the effect of missense changes on protein structure and function (SIFT, PolyPhen-2, Align-GVGD) all suggest that this variant is likely to be disruptive, but these predictions have not been confirmed by published functional studies and their clinical significance is uncertain. This variant has not been reported in the literature in individuals with MYBPC3-related conditions. This variant is not present in population databases (ExAC no frequency).

NM_000256.3(MYBPC3):c.1084A>C (p.Ser362Arg)

Gene: MYBPC3 (myosin binding protein C3; minus strand). Cytogenetic location: 11p11.2.
Variant type: single nucleotide variant.
Coding change: c.1084A>C on transcript NM_000256.3 (MANE Select); coding-DNA position 1084, A replaced by C.
Protein change: p.Ser362Arg; replaces serine 362 with arginine.
Molecular consequence: missense variant.
Genome position (GRCh38, 1-based): chr11:47,346,213, T>G on the plus strand (A>C on the coding strand, the complement: MYBPC3 is on the minus strand). VCF-style: chr11-47346213-T-G. GRCh37 (hg19) VCF-style: chr11-47367764-T-G.
Other names: short protein forms S362R.
Identifiers: ClinVar variation 1463006 (VCV001463006.8), dbSNP rs730880633, ClinGen allele CA380330923.